The following is an entry in ClinVar:

NM_024753.5(TTC21B):c.2461+1G>A

Gene: TTC21B (tetratricopeptide repeat domain 21B; minus strand). Cytogenetic location: 2q24.3.
Variant type: single nucleotide variant.
Coding change: c.2461+1G>A on transcript NM_024753.5 (MANE Select); the canonical splice donor site of the intron after coding-DNA position 2461, G replaced by A.
Molecular consequence: splice donor variant.
Genome position (GRCh38, 1-based): chr2:165,911,326, C>T on the plus strand (G>A on the coding strand, the complement: TTC21B is on the minus strand). VCF-style: chr2-165911326-C-T. GRCh37 (hg19) VCF-style: chr2-166767836-C-T.
Identifiers: ClinVar variation 1937282 (VCV001937282.5), dbSNP rs1382566648, ClinGen allele CA349056856.
Genomic context (GRCh38, chr2:165,911,326, plus strand): 5'-ATATAAAAATAAAATGGATCAGAGTTATCAGACTTTTTTCAAACCAGAAAGACTTTCATA[C>T]CAGGTTCATGAGCCAGAGCATGCTGAAGAACTTTTTCTGCTTTGTCATACCATTTCAATT-3'

ClinVar aggregate classification (germline): Likely pathogenic (1 of 4 stars; one submission).

Conditions:
Nephronophthisis. Also called: Juvenile Nephronophthisis. Identifiers: Orphanet 655, MedGen C0687120, MONDO:0019005, HP:0000090.
Jeune thoracic dystrophy. Also called: Infantile thoracic dystrophy; Thoracic pelvic phalangeal dystrophy; Jeune's syndrome; Chondroectodermal dysplasia-like syndrome; Short-rib thoracic dysplasia; Jeune syndrome. Identifiers: Orphanet 474, MedGen C0265275, MONDO:0018770.

gnomAD v4.1: 1 of 1,613,736 alleles (0.000062%); highest among the groups gnomAD compares: East Asian, 0.0022%; no homozygotes.

Submission:

Labcorp Genetics (formerly Invitae), Labcorp
Classification: Likely pathogenic for Jeune thoracic dystrophy; Nephronophthisis. Last evaluated: 2022-07-21. Review status: criteria provided, single submitter. Criteria: Invitae Variant Classification Sherloc (09022015). Collection method: clinical testing. Allele origin: germline.
Comment: In summary, the currently available evidence indicates that the variant is pathogenic, but additional data are needed to prove that conclusively. Therefore, this variant has been classified as Likely Pathogenic. Algorithms developed to predict the effect of sequence changes on RNA splicing suggest that this variant may disrupt the consensus splice site. This variant has not been reported in the literature in individuals affected with TTC21B-related conditions. This variant is not present in population databases (gnomAD no frequency). This sequence change affects a donor splice site in intron 18 of the TTC21B gene. It is expected to disrupt RNA splicing. Variants that disrupt the donor or acceptor splice site typically lead to a loss of protein function (PMID: 16199547), and loss-of-function variants in TTC21B are known to be pathogenic (PMID: 18327258, 21068128, 21258341, 23559409, 24876116, 25492405, 27491411, 29068549).

Literature cited by the submitters: PubMed 16199547; PubMed 18327258; PubMed 21068128; PubMed 21258341; PubMed 23559409; PubMed 24876116; PubMed 25492405; PubMed 27491411; PubMed 29068549.